The following is an entry in ClinVar:

ClinVar aggregate classification (germline): Uncertain significance (1 of 4 stars; one submission).

Conditions:
Cardiovascular phenotype. Identifiers: MedGen CN230736.

gnomAD v4.1: 7 of 1,613,794 alleles (0.00043%); highest among the groups gnomAD compares: Non-Finnish European, 0.00042%; no homozygotes.

Submission:

Ambry Genetics
Classification: Uncertain significance for Cardiovascular phenotype. Last evaluated: 2024-01-01. Review status: criteria provided, single submitter. Criteria: Ambry Variant Classification Scheme 2023. Collection method: clinical testing. Allele origin: germline.
Comment: The p.A152D variant (also known as c.455C>A), located in coding exon 4 of the LAMA4 gene, results from a C to A substitution at nucleotide position 455. The alanine at codon 152 is replaced by aspartic acid, an amino acid with dissimilar properties. This amino acid position is conserved. In addition, this alteration is predicted to be tolerated by in silico analysis. Since supporting evidence is limited at this time, the clinical significance of this alteration remains unclear.

NM_001105206.3(LAMA4):c.455C>A (p.Ala152Asp)

Gene: LAMA4 (laminin subunit alpha 4; minus strand). Cytogenetic location: 6q21.
Variant type: single nucleotide variant.
Coding change: c.455C>A on transcript NM_001105206.3 (MANE Select); coding-DNA position 455, C replaced by A.
Protein change: p.Ala152Asp; replaces alanine 152 with aspartic acid.
Molecular consequence: missense variant.
Genome position (GRCh38, 1-based): chr6:112,201,656, G>T on the plus strand (C>A on the coding strand, the complement: LAMA4 is on the minus strand). VCF-style: chr6-112201656-G-T. GRCh37 (hg19) VCF-style: chr6-112522857-G-T.
Other names: c.455C>A, p.Ala152Asp (NM_001105207.3, NM_002290.5); short protein forms A152D.
Identifiers: ClinVar variation 3222051 (VCV003222051.1), dbSNP rs138802750, ClinGen allele CA365379778.